The following is an entry in ClinVar:

ClinVar aggregate classification (germline): Uncertain significance. Review status: criteria provided, single submitter (1 of 4 stars). 2 submissions from 2 submitters: Uncertain significance (1). 1 of the submissions does not count toward it. Last evaluated 2024-09-03.

Conditions:
Epidermolysis bullosa dystrophica inversa, autosomal recessive. Identifiers: MedGen C2673612.

Allele frequency attached by ClinVar (database versions not stated): gnomAD exomes 0.00001.
gnomAD v4.1: 3 of 1,614,048 alleles (0.00019%); highest among the groups gnomAD compares: Admixed American, 0.005%; no homozygotes.

Submissions (2):

Labcorp Genetics (formerly Invitae), Labcorp
Classification: Uncertain significance. Last evaluated: 2024-09-03. Review status: criteria provided, single submitter. Criteria: Invitae Variant Classification Sherloc (09022015). Collection method: clinical testing. Allele origin: germline.
Comment: This sequence change replaces valine, which is neutral and non-polar, with leucine, which is neutral and non-polar, at codon 573 of the COL7A1 protein (p.Val573Leu). This variant is present in population databases (no rsID available, gnomAD 0.006%). This variant has not been reported in the literature in individuals affected with COL7A1-related conditions. ClinVar contains an entry for this variant (Variation ID: 990869). Invitae Evidence Modeling of protein sequence and biophysical properties (such as structural, functional, and spatial information, amino acid conservation, physicochemical variation, residue mobility, and thermodynamic stability) indicates that this missense variant is not expected to disrupt COL7A1 protein function with a negative predictive value of 95%. In summary, the available evidence is currently insufficient to determine the role of this variant in disease. Therefore, it has been classified as a Variant of Uncertain Significance.

Natera, Inc.
Classification: Uncertain significance for Autosomal recessive epidermolysis bullosa dystrophica inversa. Last evaluated: 2020-08-14. Review status: no assertion criteria provided. Collection method: clinical testing. Allele origin: germline. Not counted in ClinVar's aggregate classification.

NM_000094.4(COL7A1):c.1717G>C (p.Val573Leu)

Gene: COL7A1 (collagen type VII alpha 1 chain; minus strand). Cytogenetic location: 3p21.31.
Variant type: single nucleotide variant.
Coding change: c.1717G>C on transcript NM_000094.4 (MANE Select); coding-DNA position 1717, G replaced by C.
Protein change: p.Val573Leu; replaces valine 573 with leucine.
Molecular consequence: missense variant.
Genome position (GRCh38, 1-based): chr3:48,590,736, C>G on the plus strand (G>C on the coding strand, the complement: COL7A1 is on the minus strand). VCF-style: chr3-48590736-C-G. GRCh37 (hg19) VCF-style: chr3-48628169-C-G.
Other names: short protein forms V573L.
Identifiers: ClinVar variation 990869 (VCV000990869.4), dbSNP rs1286113919, ClinGen allele CA352729535.